The following is an entry in ClinVar:

ClinVar aggregate classification (germline): Uncertain significance (1 of 4 stars; one submission).

Conditions:
Ullrich congenital muscular dystrophy 2 (UCMD2). Identifiers: Orphanet 75840, MedGen C4225314, MONDO:0014654, OMIM 616470.
Bethlem myopathy 2 (BTHLM2). Identifiers: Orphanet 536516, Orphanet 610, MedGen C4225313, MONDO:0034022, OMIM 616471.

Submission:

Labcorp Genetics (formerly Invitae), Labcorp
Classification: Uncertain significance for Bethlem myopathy 2; Ullrich congenital muscular dystrophy 2. Last evaluated: 2022-12-22. Review status: criteria provided, single submitter. Criteria: Invitae Variant Classification Sherloc (09022015). Collection method: clinical testing. Allele origin: germline.
Comment: This sequence change replaces asparagine, which is neutral and polar, with serine, which is neutral and polar, at codon 3031 of the COL12A1 protein (p.Asn3031Ser). This variant is not present in population databases (gnomAD no frequency). This variant has not been reported in the literature in individuals affected with COL12A1-related conditions. Algorithms developed to predict the effect of missense changes on protein structure and function are either unavailable or do not agree on the potential impact of this missense change (SIFT: "Deleterious"; PolyPhen-2: "Probably Damaging"; Align-GVGD: "Class C0"). In summary, the available evidence is currently insufficient to determine the role of this variant in disease. Therefore, it has been classified as a Variant of Uncertain Significance.

NM_004370.6(COL12A1):c.9092A>G (p.Asn3031Ser)

Gene: COL12A1 (collagen type XII alpha 1 chain; minus strand). Cytogenetic location: 6q13.
Variant type: single nucleotide variant.
Coding change: c.9092A>G on transcript NM_004370.6 (MANE Select); coding-DNA position 9092, A replaced by G.
Protein change: p.Asn3031Ser; replaces asparagine 3031 with serine.
Molecular consequence: missense variant.
Genome position (GRCh38, 1-based): chr6:75,087,666, T>C on the plus strand (A>G on the coding strand, the complement: COL12A1 is on the minus strand). VCF-style: chr6-75087666-T-C. GRCh37 (hg19) VCF-style: chr6-75797382-T-C.
Other names: c.9092A>G, p.Asn3031Ser (NM_001424113.1); c.9071A>G, p.Asn3024Ser (NM_001424114.1); c.8819A>G, p.Asn2940Ser (NM_001424115.1); c.5600A>G, p.Asn1867Ser (NM_001424116.1, NM_080645.3); short protein forms N1867S, N3024S, N3031S, N2940S.
Identifiers: ClinVar variation 2930399 (VCV002930399.3), dbSNP rs2533014920, ClinGen allele CA364732921.